The following is an entry in ClinVar:

NM_004329.3(BMPR1A):c.868+3G>C

Gene: BMPR1A (bone morphogenetic protein receptor type 1A; plus strand). Cytogenetic location: 10q23.2.
Variant type: single nucleotide variant.
Coding change: c.868+3G>C on transcript NM_004329.3 (MANE Select); 3 bases into the intron after coding-DNA position 868, G replaced by C.
Molecular consequence: intron variant.
Genome position (GRCh38, 1-based): chr10:86,917,329, G>C. VCF-style: chr10-86917329-G-C. GRCh37 (hg19) VCF-style: chr10-88677086-G-C.
Identifiers: ClinVar variation 935459 (VCV000935459.6), dbSNP rs1411249361, ClinGen allele CA595183780.

ClinVar aggregate classification (germline): Uncertain significance. Review status: criteria provided, multiple submitters, no conflicts (2 of 4 stars). 3 submissions from 3 submitters: Uncertain significance (3). Last evaluated 2025-08-07.

Conditions:
Hereditary cancer-predisposing syndrome. Also called: Tumor predisposition; Hereditary neoplastic syndrome; Neoplastic Syndromes, Hereditary; Hereditary Cancer Syndrome. Identifiers: Orphanet 140162, MedGen C0027672, MeSH D009386, MONDO:0015356.
Juvenile polyposis syndrome (JPS). Identifiers: Orphanet 2929, MedGen C0345893, MONDO:0017380, OMIM 174900.

gnomAD v4.1: 1 of 1,614,070 alleles (0.000062%); highest among the groups gnomAD compares: Admixed American, 0.0017%; no homozygotes.

Submissions (3):

Labcorp Genetics (formerly Invitae), Labcorp
Classification: Uncertain significance for Juvenile polyposis syndrome. Last evaluated: 2025-08-07. Review status: criteria provided, single submitter. Criteria: Invitae Variant Classification Sherloc (09022015). Collection method: clinical testing. Allele origin: germline.
Comment: This sequence change falls in intron 9 of the BMPR1A gene. It does not directly change the encoded amino acid sequence of the BMPR1A protein. It affects a nucleotide within the consensus splice site. This variant is present in population databases (no rsID available, gnomAD 0.003%). This variant has not been reported in the literature in individuals affected with BMPR1A-related conditions. ClinVar contains an entry for this variant (Variation ID: 935459). Variants that disrupt the consensus splice site are a relatively common cause of aberrant splicing (PMID: 17576681, 9536098). Algorithms developed to predict the effect of sequence changes on RNA splicing suggest that this variant may disrupt the consensus splice site. In summary, the available evidence is currently insufficient to determine the role of this variant in disease. Therefore, it has been classified as a Variant of Uncertain Significance.

Color Diagnostics, LLC DBA Color Health
Classification: Uncertain significance for Hereditary cancer-predisposing syndrome. Last evaluated: 2024-12-10. Review status: criteria provided, single submitter. Criteria: ACMG Guidelines, 2015. Collection method: clinical testing. Allele origin: germline.
Comment: This variant causes a G to C nucleotide substitution at the +3 position of intron 9 of the BMPR1A gene. To our knowledge, RNA studies have not been reported for this variant. This variant has not been reported in individuals affected with BMPR1A-related disorders in the literature. This variant has been identified in 1/251314 chromosomes in the general population by the Genome Aggregation Database (gnomAD). The available evidence is insufficient to determine the role of this variant in disease conclusively. Therefore, this variant is classified as a Variant of Uncertain Significance.

Ambry Genetics
Classification: Uncertain significance for Hereditary cancer-predisposing syndrome. Last evaluated: 2024-07-29. Review status: criteria provided, single submitter. Criteria: Ambry Variant Classification Scheme 2023. Collection method: clinical testing. Allele origin: germline.
Comment: The c.868+3G>C intronic variant results from a G to C substitution 3 nucleotides after coding exon 7 in the BMPR1A gene. This nucleotide position is not well conserved in available vertebrate species. In silico splice site analysis for this alteration is inconclusive. Based on the available evidence, the clinical significance of this variant remains unclear.

Literature cited by the submitters: PubMed 17576681 (cited by Labcorp Genetics (formerly Invitae), Labcorp); PubMed 9536098 (cited by Labcorp Genetics (formerly Invitae), Labcorp).